The following is an entry in ClinVar:

NM_001271938.2(MEGF8):c.5848T>A (p.Ser1950Thr)

Gene: MEGF8 (multiple EGF like domains 8; plus strand). Cytogenetic location: 19q13.2.
Variant type: single nucleotide variant.
Coding change: c.5848T>A on transcript NM_001271938.2 (MANE Select); coding-DNA position 5848, T replaced by A.
Protein change: p.Ser1950Thr; replaces serine 1950 with threonine.
Molecular consequence: missense variant.
Genome position (GRCh38, 1-based): chr19:42,362,387, T>A. VCF-style: chr19-42362387-T-A. GRCh37 (hg19) VCF-style: chr19-42866539-T-A.
Other names: c.5647T>A, p.Ser1883Thr (NM_001410.3); short protein forms S1950T, S1883T.
Identifiers: ClinVar variation 1437217 (VCV001437217.6), dbSNP rs1409781298, ClinGen allele CA406128671.

ClinVar aggregate classification (germline): Uncertain significance (1 of 4 stars; one submission).

Conditions:
MEGF8-related Carpenter syndrome. Also called: Carpenter syndrome 2. Identifiers: Orphanet 65759, MedGen C3554247, MONDO:0013998, OMIM 614976.

Allele frequency attached by ClinVar (database versions not stated): gnomAD exomes below 0.00001 and 0.00001.
gnomAD v4.1: 7 of 1,613,662 alleles (0.00043%); highest among the groups gnomAD compares: Non-Finnish European, 0.00042%; no homozygotes.

Submission:

Labcorp Genetics (formerly Invitae), Labcorp
Classification: Uncertain significance for MEGF8-related Carpenter syndrome. Last evaluated: 2025-01-02. Review status: criteria provided, single submitter. Criteria: Invitae Variant Classification Sherloc (09022015). Collection method: clinical testing. Allele origin: germline.
Comment: This sequence change replaces serine, which is neutral and polar, with threonine, which is neutral and polar, at codon 1883 of the MEGF8 protein (p.Ser1883Thr). This variant is present in population databases (no rsID available, gnomAD 0.004%). This variant has not been reported in the literature in individuals affected with MEGF8-related conditions. ClinVar contains an entry for this variant (Variation ID: 1437217). An algorithm developed to predict the effect of missense changes on protein structure and function (PolyPhen-2) suggests that this variant is likely to be tolerated. In summary, the available evidence is currently insufficient to determine the role of this variant in disease. Therefore, it has been classified as a Variant of Uncertain Significance.